The following is an entry in ClinVar:

NM_001378120.1(MBD5):c.-1096A>G

Genes: MBD5 (methyl-CpG binding domain protein 5; plus strand), ORC4 (origin recognition complex subunit 4; minus strand). Cytogenetic location: 2q23.1.
Variant type: single nucleotide variant.
Coding change: c.-1096A>G on transcript NM_001378120.1 (MANE Select); 1096 bases upstream of the start codon, A replaced by G.
Molecular consequence: 5 prime UTR variant. On other transcripts: intron variant (2).
Genome position (GRCh38, 1-based): chr2:148,021,513, A>G. VCF-style: chr2-148021513-A-G. GRCh37 (hg19) VCF-style: chr2-148779082-A-G.
Other names: c.-1155A>G (NM_001438854.1, NM_001438856.1, NM_001438860.1); c.-1096A>G (NM_001438855.1, NM_001438859.1); c.-1183A>G (NM_001438857.1); c.-945A>G (NM_001438858.1, NM_001438861.1); c.-961-135A>G (NM_018328.5); c.-925+467A>G (NM_001438862.1).
Identifiers: ClinVar variation 4872396 (VCV004872396.2).

ClinVar aggregate classification (germline): Benign (1 of 4 stars; one submission).

gnomAD v4.1: 191 of 567,594 alleles (0.034%); highest among the groups gnomAD compares: East Asian, 0.18%; 8 homozygotes.

Submission:

CeGaT Center for Human Genetics Tuebingen
Classification: Benign. Last evaluated: 2026-08-01. Review status: criteria provided, single submitter. Criteria: CeGaT Center For Human Genetics Tuebingen Variant Classification Criteria Version 2. Collection method: clinical testing. Allele origin: germline. Affected: yes. Observed: 2 variant alleles.
Comment: MBD5: BS1, BS2